The following is an entry in ClinVar:

NM_000291.4(PGK1):c.211C>G (p.Pro71Ala)

Gene: PGK1 (phosphoglycerate kinase 1; plus strand). Cytogenetic location: Xq21.1.
Variant type: single nucleotide variant.
Coding change: c.211C>G on transcript NM_000291.4 (MANE Select); coding-DNA position 211, C replaced by G.
Protein change: p.Pro71Ala; replaces proline 71 with alanine.
Molecular consequence: missense variant.
Genome position (GRCh38, 1-based): chrX:78,113,838, C>G. VCF-style: chrX-78113838-C-G. GRCh37 (hg19) VCF-style: chrX-77369335-C-G.
Other names: short protein forms P71A.
Identifiers: ClinVar variation 1966612 (VCV001966612.6), dbSNP rs782378406, ClinGen allele CA10459632.

ClinVar aggregate classification (germline): Uncertain significance. Review status: criteria provided, multiple submitters, no conflicts (2 of 4 stars). 2 submissions from 2 submitters: Uncertain significance (2). Last evaluated 2024-06-15.

Conditions:
Glycogen storage disease due to phosphoglycerate kinase 1 deficiency. Also called: PGK1 DEFICIENCY; PHOSPHOGLYCERATE KINASE 1 DEFICIENCY WITH LEVO-DOPA-RESPONSIVE PARKINSONISM. Identifiers: Orphanet 713, MedGen C1970848, MONDO:0010392, OMIM 300653.

Allele frequency attached by ClinVar (database versions not stated): ExAC 0.00001.
gnomAD v4.1: 19 of 1,210,117 alleles (0.0016%); highest among the groups gnomAD compares: Non-Finnish European, 0.0021%; no homozygotes.

Submissions (2):

Fulgent Genetics
Classification: Uncertain significance for Glycogen storage disease due to phosphoglycerate kinase 1 deficiency. Last evaluated: 2024-06-15. Review status: criteria provided, single submitter. Criteria: ACMG Guidelines, 2015. Collection method: clinical testing. Allele origin: germline.

Labcorp Genetics (formerly Invitae), Labcorp
Classification: Uncertain significance. Last evaluated: 2022-03-10. Review status: criteria provided, single submitter. Criteria: Invitae Variant Classification Sherloc (09022015). Collection method: clinical testing. Allele origin: germline.
Comment: In summary, the available evidence is currently insufficient to determine the role of this variant in disease. Therefore, it has been classified as a Variant of Uncertain Significance. Algorithms developed to predict the effect of missense changes on protein structure and function (SIFT, PolyPhen-2, Align-GVGD) all suggest that this variant is likely to be tolerated. This variant has not been reported in the literature in individuals affected with PGK1-related conditions. This variant is present in population databases (rs782378406, gnomAD 0.002%). This sequence change replaces proline, which is neutral and non-polar, with alanine, which is neutral and non-polar, at codon 71 of the PGK1 protein (p.Pro71Ala).